The following is an entry in ClinVar:

ClinVar aggregate classification (germline): Pathogenic (1 of 4 stars; one submission).

Conditions:
Atrioventricular septal defect 5 (AVSD5). Identifiers: MedGen C3280939, MONDO:0013769, OMIM 614474.

Submission:

Labcorp Genetics (formerly Invitae), Labcorp
Classification: Pathogenic for Atrioventricular septal defect 5. Last evaluated: 2021-07-16. Review status: criteria provided, single submitter. Criteria: Invitae Variant Classification Sherloc (09022015). Collection method: clinical testing. Allele origin: germline.
Comment: This sequence change creates a premature translational stop signal (p.Gly441*) in the GATA6 gene. It is expected to result in an absent or disrupted protein product. Loss-of-function variants in GATA6 are known to be pathogenic (PMID: 22158542, 24310933). This variant is not present in population databases (ExAC no frequency). For these reasons, this variant has been classified as Pathogenic. This premature translational stop signal has been observed in individual(s) with conotruncal defects (PMID: 28991257).

Literature cited by the submitters: PubMed 22158542; PubMed 24310933; PubMed 28991257.

NM_005257.6(GATA6):c.1321G>T (p.Gly441Ter)

Gene: GATA6 (GATA binding protein 6; plus strand). Cytogenetic location: 18q11.2.
Variant type: single nucleotide variant.
Coding change: c.1321G>T on transcript NM_005257.6 (MANE Select); coding-DNA position 1321, G replaced by T.
Protein change: p.Gly441Ter; replaces glycine 441 with a stop codon.
Molecular consequence: nonsense.
Genome position (GRCh38, 1-based): chr18:22,181,471, G>T. VCF-style: chr18-22181471-G-T. GRCh37 (hg19) VCF-style: chr18-19761432-G-T.
Other names: short protein forms G441*.
Identifiers: ClinVar variation 1410108 (VCV001410108.6), dbSNP rs2143300665, ClinGen allele CA401802303.